The following is an entry in ClinVar:

NM_000018.4(ACADVL):c.495G>T (p.Glu165Asp)

Gene: ACADVL (acyl-CoA dehydrogenase very long chain; plus strand). Cytogenetic location: 17p13.1.
Variant type: single nucleotide variant.
Coding change: c.495G>T on transcript NM_000018.4 (MANE Select); coding-DNA position 495, G replaced by T.
Protein change: p.Glu165Asp; replaces glutamic acid 165 with aspartic acid.
Molecular consequence: missense variant.
Genome position (GRCh38, 1-based): chr17:7,221,555, G>T. VCF-style: chr17-7221555-G-T. GRCh37 (hg19) VCF-style: chr17-7124874-G-T.
Other names: c.429G>T, p.Glu143Asp (NM_001033859.3); c.564G>T, p.Glu188Asp (NM_001270447.2); c.267G>T, p.Glu89Asp (NM_001270448.2); short protein forms E165D, E89D, E188D, E143D.
Identifiers: ClinVar variation 92285 (VCV000092285.28), dbSNP rs370169077, ClinGen allele CA220211.

ClinVar aggregate classification (germline): Uncertain significance. Review status: criteria provided, multiple submitters, no conflicts (2 of 4 stars). 7 submissions from 7 submitters: Uncertain significance (6). 1 of the submissions does not count toward it. Last evaluated 2024-12-07.

Conditions:
Very long chain acyl-CoA dehydrogenase deficiency (ACADVLD). Also called: VLCAD Deficiency; Very Long-Chain Acyl-Coenzyme A Dehydrogenase Deficiency. Identifiers: Orphanet 26793, MedGen C3887523, MONDO:0008723, OMIM 201475.

Allele frequency attached by ClinVar (database versions not stated): ESP Exome Variant Server 0.00008; TOPMed 0.00004.
gnomAD v4.1: 69 of 1,614,044 alleles (0.0043%); highest among the groups gnomAD compares: Middle Eastern, 0.066%; no homozygotes.

Submissions (7):

Labcorp Genetics (formerly Invitae), Labcorp
Classification: Uncertain significance for Very long chain acyl-CoA dehydrogenase deficiency. Last evaluated: 2024-12-07. Review status: criteria provided, single submitter. Criteria: Invitae Variant Classification Sherloc (09022015). Collection method: clinical testing. Allele origin: germline.
Comment: This sequence change replaces glutamic acid, which is acidic and polar, with aspartic acid, which is acidic and polar, at codon 165 of the ACADVL protein (p.Glu165Asp). This variant is present in population databases (rs370169077, gnomAD 0.01%). This variant has not been reported in the literature in individuals affected with ACADVL-related conditions. ClinVar contains an entry for this variant (Variation ID: 92285). Invitae Evidence Modeling of protein sequence and biophysical properties (such as structural, functional, and spatial information, amino acid conservation, physicochemical variation, residue mobility, and thermodynamic stability) indicates that this missense variant is not expected to disrupt ACADVL protein function with a negative predictive value of 80%. In summary, the available evidence is currently insufficient to determine the role of this variant in disease. Therefore, it has been classified as a Variant of Uncertain Significance.

Blueprint Genetics
Classification: Uncertain significance. Last evaluated: 2024-11-04. Review status: criteria provided, single submitter. Criteria: ACMG Guidelines, 2015. Collection method: clinical testing. Allele origin: germline.

Clinical Genomics Laboratory, Stanford Medicine
Classification: Uncertain significance for Very long chain acyl-CoA dehydrogenase deficiency. Last evaluated: 2021-04-27. Review status: criteria provided, single submitter. Criteria: ACMG Guidelines, 2015. Collection method: clinical testing. Allele origin: germline. Affected: yes. Observed: 1 heterozygote.
Comment: The p.Glu165Asp variant in the ACADVL gene has not been previously reported in association with disease. This variant has been identified in 11/113,750 European (non-Finnish) chromosomes (11/251,472 chromosomes overall) by the Genome Aggregation Database. Although this variant has been seen in the general population, its frequency is low enough to be consistent with a recessive carrier frequency. Computational tools predict that the p.Glu165Asp variant is deleterious; however, the accuracy of in silico algorithms is limited. These data were assessed using the ACMG/AMP variant interpretation guidelines. In summary, the significance of the p.Glu165Asp variant is uncertain. Additional information is needed to resolve the significance of this variant. [ACMG evidence codes used: PM2; PP3]

Eurofins Ntd Llc (ga)
Classification: Uncertain significance. Last evaluated: 2016-12-01. Review status: criteria provided, single submitter. Criteria: EGL Classification Definitions 2015. Collection method: clinical testing. Allele origin: germline. Observed: 1 variant allele, 1 heterozygote.

ARUP Laboratories, Molecular Genetics and Genomics, ARUP Laboratories
Classification: Uncertain significance. Last evaluated: 2016-08-25. Review status: criteria provided, single submitter. Criteria: ARUP Molecular Germline Variant Investigation Process. Collection method: clinical testing. Allele origin: germline.

Breakthrough Genomics
Classification: Uncertain significance. Review status: criteria provided, single submitter. Criteria: ACMG Guidelines, 2015. Collection method: not provided. Allele origin: germline. Inheritance: Autosomal recessive inheritance. Affected: yes.

Natera, Inc.
Classification: Uncertain significance for Very long chain acyl-CoA dehydrogenase deficiency. Last evaluated: 2020-02-27. Review status: no assertion criteria provided. Collection method: clinical testing. Allele origin: germline. Not counted in ClinVar's aggregate classification.